The following is an entry in ClinVar:

ClinVar aggregate classification (germline): Uncertain significance (1 of 4 stars; one submission).

Conditions:
Inborn genetic diseases. Identifiers: MedGen C0950123, MeSH D030342.

Submission:

Ambry Genetics
Classification: Uncertain significance for Inborn genetic diseases. Last evaluated: 2019-12-27. Review status: criteria provided, single submitter. Criteria: Ambry Variant Classification Scheme 2023. Collection method: clinical testing. Allele origin: germline.
Comment: The p.L947V variant (also known as c.2839C>G), located in coding exon 24 of the MORC2 gene, results from a C to G substitution at nucleotide position 2839. The leucine at codon 947 is replaced by valine, an amino acid with highly similar properties. This amino acid position is highly conserved in available vertebrate species. In addition, this alteration is predicted to be tolerated by in silico analysis. Since supporting evidence is limited at this time, the clinical significance of this alteration remains unclear.

NM_001303256.3(MORC2):c.2839C>G (p.Leu947Val)

Gene: MORC2 (MORC family CW-type zinc finger 2; minus strand). Cytogenetic location: 22q12.2.
Variant type: single nucleotide variant.
Coding change: c.2839C>G on transcript NM_001303256.3 (MANE Select); coding-DNA position 2839, C replaced by G.
Protein change: p.Leu947Val; replaces leucine 947 with valine.
Molecular consequence: missense variant.
Genome position (GRCh38, 1-based): chr22:30,932,361, G>C on the plus strand (C>G on the coding strand, the complement: MORC2 is on the minus strand). VCF-style: chr22-30932361-G-C. GRCh37 (hg19) VCF-style: chr22-31328348-G-C.
Other names: c.2839C>G, p.Leu947Val (NM_001303257.2); c.2653C>G, p.Leu885Val (NM_014941.3); short protein forms L947V, L885V.
Identifiers: ClinVar variation 1796684 (VCV001796684.2), dbSNP rs2517568285, ClinGen allele CA411231047.